The following is an entry in ClinVar:

NM_006343.3(MERTK):c.1061A>C (p.Asn354Thr)

Genes: MERTK (MER proto-oncogene, tyrosine kinase; plus strand), LOC112806037 (Sharpr-MPRA regulatory region 3720; plus strand). Cytogenetic location: 2q13.
Variant type: single nucleotide variant.
Coding change: c.1061A>C on transcript NM_006343.3 (MANE Select); coding-DNA position 1061, A replaced by C.
Protein change: p.Asn354Thr; replaces asparagine 354 with threonine.
Molecular consequence: missense variant.
Genome position (GRCh38, 1-based): chr2:111,975,389, A>C. VCF-style: chr2-111975389-A-C. GRCh37 (hg19) VCF-style: chr2-112732966-A-C.
Other names: short protein forms N354T.
Identifiers: ClinVar variation 1365902 (VCV001365902.6), dbSNP rs758562603, ClinGen allele CA1831265.

ClinVar aggregate classification (germline): Uncertain significance (1 of 4 stars; one submission).

Allele frequency attached by ClinVar (database versions not stated): TOPMed 0.00001.
gnomAD v4.1: 2 of 1,614,168 alleles (0.00012%); highest among the groups gnomAD compares: Non-Finnish European, 0.000085%; no homozygotes.

Submission:

Labcorp Genetics (formerly Invitae), Labcorp
Classification: Uncertain significance. Last evaluated: 2022-09-13. Review status: criteria provided, single submitter. Criteria: Invitae Variant Classification Sherloc (09022015). Collection method: clinical testing. Allele origin: germline.
Comment: ClinVar contains an entry for this variant (Variation ID: 1365902). This variant has not been reported in the literature in individuals affected with MERTK-related conditions. This variant is present in population databases (rs758562603, gnomAD 0.0009%). This sequence change replaces asparagine, which is neutral and polar, with threonine, which is neutral and polar, at codon 354 of the MERTK protein (p.Asn354Thr). Advanced modeling of protein sequence and biophysical properties (such as structural, functional, and spatial information, amino acid conservation, physicochemical variation, residue mobility, and thermodynamic stability) performed at Invitae indicates that this missense variant is not expected to disrupt MERTK protein function. In summary, the available evidence is currently insufficient to determine the role of this variant in disease. Therefore, it has been classified as a Variant of Uncertain Significance.